The following is an entry in ClinVar:

NM_001204.7(BMPR2):c.2569C>T (p.Arg857Trp)

Gene: BMPR2 (bone morphogenetic protein receptor type 2; plus strand). Cytogenetic location: 2q33.2.
Variant type: single nucleotide variant.
Coding change: c.2569C>T on transcript NM_001204.7 (MANE Select); coding-DNA position 2569, C replaced by T.
Protein change: p.Arg857Trp; replaces arginine 857 with tryptophan.
Molecular consequence: missense variant.
Genome position (GRCh38, 1-based): chr2:202,556,234, C>T. VCF-style: chr2-202556234-C-T. GRCh37 (hg19) VCF-style: chr2-203420957-C-T.
Other names: short protein forms R857W.
Identifiers: ClinVar variation 3585303 (VCV003585303.2).

ClinVar aggregate classification (germline): Uncertain significance. Review status: criteria provided, multiple submitters, no conflicts (2 of 4 stars). 2 submissions from 2 submitters: Uncertain significance (2). Last evaluated 2024-12-16.

Conditions:
Inborn genetic diseases. Identifiers: MedGen C0950123, MeSH D030342.
Pulmonary hypertension, primary, 1 (PPH1). Also called: Pulmonary hypertension, familial primary, 1, with or without HHT. Identifiers: Orphanet 422, MedGen C4552070, MONDO:0024533, OMIM 178600.
Pulmonary venoocclusive disease 1 (PVOD1). Also called: Pulmonary venoocclusive disease 1, autosomal dominant. Identifiers: Orphanet 31837, MedGen C3887658, MONDO:0020713, OMIM 265450.

gnomAD v4.1: 15 of 1,613,160 alleles (0.00093%); highest among the groups gnomAD compares: Middle Eastern, 0.033%; no homozygotes.

Submissions (2):

Ambry Genetics
Classification: Uncertain significance for Inborn genetic diseases. Last evaluated: 2024-12-16. Review status: criteria provided, single submitter. Criteria: Ambry Variant Classification Scheme 2023. Collection method: clinical testing. Allele origin: germline.
Comment: The p.R857W variant (also known as c.2569C>T), located in coding exon 12 of the BMPR2 gene, results from a C to T substitution at nucleotide position 2569. The arginine at codon 857 is replaced by tryptophan, an amino acid with dissimilar properties. This amino acid position is conserved. In addition, the in silico prediction for this alteration is inconclusive. Based on the available evidence, the clinical significance of this variant remains unclear.

Fulgent Genetics
Classification: Uncertain significance for Pulmonary hypertension, primary, 1; Pulmonary venoocclusive disease 1. Last evaluated: 2024-03-07. Review status: criteria provided, single submitter. Criteria: ACMG Guidelines, 2015. Collection method: clinical testing. Allele origin: germline.